The following is an entry in ClinVar:

ClinVar aggregate classification (germline): Uncertain significance (1 of 4 stars; one submission).

Conditions:
Long QT syndrome 9 (LQT9). Identifiers: Orphanet 101016, Orphanet 768, MedGen C2678485, MONDO:0012736, OMIM 611818.

Submission:

Breda Genetics srl
Classification: Uncertain significance for Long QT syndrome 9. Last evaluated: 2021-03-09. Review status: criteria provided, single submitter. Criteria: ACMG Guidelines, 2015. Collection method: clinical testing. Allele origin: germline. Inheritance: Autosomal dominant inheritance. Observed: 1 variant allele, 1 heterozygote.
Comment: Based on allele frequency, in-silico prediction scores and a certain overlap with the clinical phenotype, we interpreted this variant at least as of uncertain significance. The lack of one or more of the following features has discouraged further investigations: lack of a possible second hit in autosomal recessive conditions, presence of healthy controls in databases for autosomal dominant conditions, presence of unmatching cardinal clinical features in the patient or in the known gene-disease association, and/or variant type outside the known gene mutational spectrum.

NM_033337.3(CAV3):c.22G>A (p.Asp8Asn)

Gene: CAV3 (caveolin 3; plus strand). Cytogenetic location: 3p25.3.
Variant type: single nucleotide variant.
Coding change: c.22G>A on transcript NM_033337.3 (MANE Select); coding-DNA position 22, G replaced by A.
Protein change: p.Asp8Asn; replaces aspartic acid 8 with asparagine.
Molecular consequence: missense variant.
Genome position (GRCh38, 1-based): chr3:8,733,898, G>A. VCF-style: chr3-8733898-G-A. GRCh37 (hg19) VCF-style: chr3-8775584-G-A.
Other names: c.22G>A, p.Asp8Asn (NM_001234.5); short protein forms D8N.
Identifiers: ClinVar variation 1299390 (VCV001299390.1), dbSNP rs2124977121, ClinGen allele CA351661200.